The following is an entry in ClinVar:

NM_025136.4(OPA3):c.251T>C (p.Leu84Pro)

Genes: OPA3 (outer mitochondrial membrane lipid metabolism regulator OPA3; minus strand), OPA3-RTN2 (OPA3-RTN2 readthrough; minus strand). Cytogenetic location: 19q13.32.
Variant type: single nucleotide variant.
Coding change: c.251T>C on transcript NM_025136.4 (MANE Select); coding-DNA position 251, T replaced by C.
Protein change: p.Leu84Pro; replaces leucine 84 with proline.
Molecular consequence: missense variant. On other transcripts: intron variant (1).
Genome position (GRCh38, 1-based): chr19:45,553,803, A>G on the plus strand (T>C on the coding strand, the complement: OPA3 is on the minus strand). VCF-style: chr19-45553803-A-G. GRCh37 (hg19) VCF-style: chr19-46057061-A-G.
Other names: c.143-24347T>C (NM_001017989.3); short protein forms L84P.
Identifiers: ClinVar variation 4786206 (VCV004786206.1).

ClinVar aggregate classification (germline): Uncertain significance (1 of 4 stars; one submission).

Conditions:
Optic atrophy 3 (OPA3). Also called: OPTIC ATROPHY 3, AUTOSOMAL DOMINANT; Optic atrophy, cataract, and neurologic disorder; Optic atrophy 3 with cataract. Identifiers: Orphanet 67036, MedGen C1833809, MONDO:0008133, OMIM 165300.
3-Methylglutaconic aciduria type 3 (MGCA3). Also called: OPA3, AUTOSOMAL RECESSIVE; OPTIC ATROPHY 3, AUTOSOMAL RECESSIVE; Costeff Syndrome; OPA3-Related 3-Methylglutaconic Aciduria. Identifiers: Orphanet 67047, MedGen C0574084, MONDO:0009787, OMIM 258501.

Submission:

Labcorp Genetics (formerly Invitae), Labcorp
Classification: Uncertain significance for 3-Methylglutaconic aciduria type 3; Optic atrophy 3. Last evaluated: 2025-09-22. Review status: criteria provided, single submitter. Criteria: Invitae Variant Classification Sherloc (09022015). Collection method: clinical testing. Allele origin: germline.
Comment: This sequence change replaces leucine, which is neutral and non-polar, with proline, which is neutral and non-polar, at codon 84 of the OPA3 protein (p.Leu84Pro). This variant is not present in population databases (gnomAD no frequency). This variant has not been reported in the literature in individuals affected with OPA3-related conditions. An algorithm developed to predict the effect of missense changes on protein structure and function (PolyPhen-2) suggests that this variant is likely to be disruptive. In summary, the available evidence is currently insufficient to determine the role of this variant in disease. Therefore, it has been classified as a Variant of Uncertain Significance.